The following is an entry in ClinVar:

NM_002470.4(MYH3):c.4356+11C>T

Gene: MYH3 (myosin heavy chain 3; minus strand). Cytogenetic location: 17p13.1.
Variant type: single nucleotide variant.
Coding change: c.4356+11C>T on transcript NM_002470.4 (MANE Select); 11 bases into the intron after coding-DNA position 4356, C replaced by T.
Molecular consequence: intron variant.
Genome position (GRCh38, 1-based): chr17:10,634,829, G>A on the plus strand (C>T on the coding strand, the complement: MYH3 is on the minus strand). VCF-style: chr17-10634829-G-A. GRCh37 (hg19) VCF-style: chr17-10538146-G-A.
Identifiers: ClinVar variation 258684 (VCV000258684.20), dbSNP rs150348272, ClinGen allele CA8392265.
Genomic context (GRCh38, chr17:10,634,829, plus strand): 5'-TCTCCTCCTTCCACGGCTGCTAGGAATCCCTTACATCATGGCATTCACCCAGCACACAGC[G>A]GACCCCACACCTTGTCAAAGTTCCTCTGCTTCTTGTCCAGAGCGGCGGCCAAGGAATTGG-3'

ClinVar aggregate classification (germline): Benign/Likely benign. Review status: criteria provided, multiple submitters, no conflicts (2 of 4 stars). 6 submissions from 5 submitters: Benign (3); Likely benign (3). Last evaluated 2026-02-04.

Conditions:
Freeman-Sheldon syndrome (DA2A). Also called: WHISTLING FACE-WINDMILL VANE HAND SYNDROME; CRANIOCARPOTARSAL DYSPLASIA; CRANIOCARPOTARSAL DYSTROPHY; Arthrogryposis, distal, type 2A (Freeman-Sheldon). Identifiers: Orphanet 2053, MedGen C0265224, MONDO:0008675, OMIM 193700.
Distal arthrogryposis type 2B1 (DA2B1). Also called: Arthrogryposis multiplex congenita distal type II with craniofacial abnormalities. Identifiers: Orphanet 1147, MedGen C5193014, MONDO:0020820, OMIM 601680.

Allele frequency attached by ClinVar (database versions not stated): gnomAD exomes 0.00531 and 0.00530; gnomAD 0.00514 and 0.00505; 1000 Genomes Project 30x 0.00437; ESP Exome Variant Server 0.00438; ExAC 0.00512; TOPMed 0.00585; 1000 Genomes Project 0.00379.

Submissions (6):

Labcorp Genetics (formerly Invitae), Labcorp
Classification: Benign. Last evaluated: 2026-02-04. Review status: criteria provided, single submitter. Criteria: Invitae Variant Classification Sherloc (09022015). Collection method: clinical testing. Allele origin: germline.

GeneDx
Classification: Benign. Last evaluated: 2020-11-24. Review status: criteria provided, single submitter. Criteria: GeneDx Variant Classification Process June 2021. Collection method: clinical testing. Allele origin: germline. Affected: yes.

Illumina Laboratory Services, Illumina
Classification: Likely benign for Distal arthrogryposis type 2B1. Last evaluated: 2018-01-13. Review status: criteria provided, single submitter. Criteria: ICSL Variant Classification Criteria 13 December 2019. Collection method: clinical testing. Allele origin: germline.
Comment: This variant was observed in the ICSL laboratory as part of a predisposition screen in an ostensibly healthy population. It had not been previously curated by ICSL or reported in the Human Gene Mutation Database (HGMD: prior to June 1st, 2018), and was therefore a candidate for classification through an automated scoring system. Utilizing variant allele frequency, disease prevalence and penetrance estimates, and inheritance mode, an automated score was calculated to assess if this variant is too frequent to cause the disease. Based on the score and internal cut-off values, a variant classified as likely benign is not then subjected to further curation. The score for this variant resulted in a classification of likely benign for this disease.

Illumina Laboratory Services, Illumina
Classification: Benign for Freeman-Sheldon syndrome. Last evaluated: 2018-01-13. Review status: criteria provided, single submitter. Criteria: ICSL Variant Classification Criteria 13 December 2019. Collection method: clinical testing. Allele origin: germline.
Comment: This variant was observed in the ICSL laboratory as part of a predisposition screen in an ostensibly healthy population. It had not been previously curated by ICSL or reported in the Human Gene Mutation Database (HGMD: prior to June 1st, 2018), and was therefore a candidate for classification through an automated scoring system. Utilizing variant allele frequency, disease prevalence and penetrance estimates, and inheritance mode, an automated score was calculated to assess if this variant is too frequent to cause the disease. Based on the score and internal cut-off values, a variant classified as benign is not then subjected to further curation. The score for this variant resulted in a classification of benign for this disease.

Breakthrough Genomics
Classification: Likely benign. Review status: criteria provided, single submitter. Criteria: ACMG Guidelines, 2015. Collection method: not provided. Allele origin: germline. Inheritance: Autosomal recessive inheritance. Affected: yes.

PreventionGenetics, part of Exact Sciences
Classification: Likely benign. Review status: criteria provided, single submitter. Criteria: ACMG Guidelines, 2015. Collection method: clinical testing. Allele origin: germline.